The following is an entry in ClinVar:

NM_004408.4(DNM1):c.683G>A (p.Arg228His)

Gene: DNM1 (dynamin 1; plus strand). Cytogenetic location: 9q34.11.
Variant type: single nucleotide variant.
Coding change: c.683G>A on transcript NM_004408.4 (MANE Select); coding-DNA position 683, G replaced by A.
Protein change: p.Arg228His; replaces arginine 228 with histidine.
Molecular consequence: missense variant.
Genome position (GRCh38, 1-based): chr9:128,220,081, G>A. VCF-style: chr9-128220081-G-A. GRCh37 (hg19) VCF-style: chr9-130982360-G-A.
Other names: c.683G>A (NM_004408.3); c.683G>A, p.Arg228His (NM_001005336.3, NM_001288737.2, NM_001288738.2 and 2 more transcripts); short protein forms R228H.
Identifiers: ClinVar variation 1531375 (VCV001531375.8), dbSNP rs866946278, ClinGen allele CA200347944.

ClinVar aggregate classification (germline): Conflicting classifications of pathogenicity. Review status: criteria provided, conflicting classifications (1 of 4 stars). 2 submissions from 2 submitters: Uncertain significance (1); Likely benign (1). Last evaluated 2022-09-13.

Conditions:
Developmental and epileptic encephalopathy, 31A. Also called: Epileptic encephalopathy, early infantile, 31; Developmental and epileptic encephalopathy, 31. Identifiers: Orphanet 2382, MedGen C4225357, MONDO:0014598, OMIM 616346.

Allele frequency attached by ClinVar (database versions not stated): gnomAD exomes below 0.00001; TOPMed 0.00001.
gnomAD v4.1: 4 of 1,613,072 alleles (0.00025%); highest among the groups gnomAD compares: Non-Finnish European, 0.00034%; no homozygotes.

Submissions (2):

GeneDx
Classification: Uncertain significance. Last evaluated: 2022-09-13. Review status: criteria provided, single submitter. Criteria: GeneDx Variant Classification Process June 2021. Collection method: clinical testing. Allele origin: germline. Affected: yes.
Comment: In silico analysis supports that this missense variant has a deleterious effect on protein structure/function; Has not been previously published as pathogenic or benign to our knowledge

Labcorp Genetics (formerly Invitae), Labcorp
Classification: Likely benign for Developmental and epileptic encephalopathy, 31A. Last evaluated: 2022-02-04. Review status: criteria provided, single submitter. Criteria: Invitae Variant Classification Sherloc (09022015). Collection method: clinical testing. Allele origin: germline.